The following is an entry in ClinVar:

NM_000264.5(PTCH1):c.2485G>T (p.Val829Leu)

Genes: PTCH1 (patched 1; minus strand), LOC100507346 (uncharacterized LOC100507346; plus strand). Cytogenetic location: 9q22.32.
Variant type: single nucleotide variant.
Coding change: c.2485G>T on transcript NM_000264.5 (MANE Select); coding-DNA position 2485, G replaced by T.
Protein change: p.Val829Leu; replaces valine 829 with leucine.
Molecular consequence: missense variant. On other transcripts: non-coding transcript variant (2).
Genome position (GRCh38, 1-based): chr9:95,467,191, C>A on the plus strand (G>T on the coding strand, the complement: PTCH1 is on the minus strand). VCF-style: chr9-95467191-C-A. GRCh37 (hg19) VCF-style: chr9-98229473-C-A.
Other names: c.2287G>T, p.Val763Leu (NM_001083602.3); c.2482G>T, p.Val828Leu (NM_001083603.3); c.2032G>T, p.Val678Leu (NM_001083604.3, NM_001083605.3, NM_001083606.3 and 1 more transcripts); c.2329G>T, p.Val777Leu (NM_001354918.2); c.2485G>T (NM_000264.3); short protein forms V678L, V763L, V777L, V828L, V829L.
Identifiers: ClinVar variation 1064400 (VCV001064400.10), dbSNP rs201125580, ClinGen allele CA374113970.
Genomic context (GRCh38, chr9:95,467,191, plus strand): 5'-TGAAGTAGTGCAGCCACATTTTGGGAAGCTGTTTGTTTTCTTCCAACATGACATACTTCA[C>A]GTTACTGAAACTCCTGTGTAGGTCGTAAAGTAAGTGCTGGATATTCGGGTAGTCTGCTTT-3'
Protein context (NP_000255.2, residues 819-839): LYDLHRSFSN[Val829Leu]KYVMLEENKQ

ClinVar aggregate classification (germline): Conflicting classifications of pathogenicity. Review status: criteria provided, conflicting classifications (1 of 4 stars). 2 submissions from 2 submitters: Uncertain significance (1); Benign (1). Last evaluated 2025-07-16.

Conditions:
Hereditary cancer-predisposing syndrome. Also called: Tumor predisposition; Neoplastic Syndromes, Hereditary; Hereditary Cancer Syndrome; Hereditary neoplastic syndrome. Identifiers: Orphanet 140162, MedGen C0027672, MeSH D009386, MONDO:0015356.
Gorlin syndrome. Also called: Basal cell nevus syndrome; Nevoid Basal Cell Carcinoma Syndrome. Identifiers: Orphanet 377, MedGen C0004779, MONDO:0007187.

gnomAD v4.1: 2 of 1,614,194 alleles (0.00012%); highest among the groups gnomAD compares: East Asian, 0.0022%; no homozygotes.

Submissions (2):

Ambry Genetics
Classification: Uncertain significance for Hereditary cancer-predisposing syndrome. Last evaluated: 2025-07-16. Review status: criteria provided, single submitter. Criteria: Ambry Variant Classification Scheme 2023. Collection method: clinical testing. Allele origin: germline.
Comment: The p.V829L variant (also known as c.2485G>T), located in coding exon 15 of the PTCH1 gene, results from a G to T substitution at nucleotide position 2485. The valine at codon 829 is replaced by leucine, an amino acid with highly similar properties. This amino acid position is highly conserved in available vertebrate species. In addition, the in silico prediction for this alteration is inconclusive. Based on the available evidence, the clinical significance of this variant remains unclear.

Labcorp Genetics (formerly Invitae), Labcorp
Classification: Benign for Gorlin syndrome. Last evaluated: 2022-12-06. Review status: criteria provided, single submitter. Criteria: Invitae Variant Classification Sherloc (09022015). Collection method: clinical testing. Allele origin: germline.